The following is an entry in ClinVar:

ClinVar aggregate classification (germline): Uncertain significance (1 of 4 stars; one submission).

Allele frequency attached by ClinVar (database versions not stated): gnomAD exomes below 0.00001 and 0.00002; gnomAD 0.00001; TOPMed 0.00002; ExAC 0.00004; 1000 Genomes Project 30x 0.00016; 1000 Genomes Project 0.00020.

Submission:

Labcorp Genetics (formerly Invitae), Labcorp
Classification: Uncertain significance. Last evaluated: 2024-09-08. Review status: criteria provided, single submitter. Criteria: Invitae Variant Classification Sherloc (09022015). Collection method: clinical testing. Allele origin: germline.
Comment: This sequence change replaces asparagine, which is neutral and polar, with serine, which is neutral and polar, at codon 882 of the LEMD3 protein (p.Asn882Ser). This variant is present in population databases (rs201986205, gnomAD 0.01%). This variant has not been reported in the literature in individuals affected with LEMD3-related conditions. ClinVar contains an entry for this variant (Variation ID: 1022479). Invitae Evidence Modeling of protein sequence and biophysical properties (such as structural, functional, and spatial information, amino acid conservation, physicochemical variation, residue mobility, and thermodynamic stability) indicates that this missense variant is not expected to disrupt LEMD3 protein function with a negative predictive value of 80%. In summary, the available evidence is currently insufficient to determine the role of this variant in disease. Therefore, it has been classified as a Variant of Uncertain Significance.

NM_014319.5(LEMD3):c.2645A>G (p.Asn882Ser)

Gene: LEMD3 (LEM domain containing 3; plus strand). Cytogenetic location: 12q14.3.
Variant type: single nucleotide variant.
Coding change: c.2645A>G on transcript NM_014319.5 (MANE Select); coding-DNA position 2645, A replaced by G.
Protein change: p.Asn882Ser; replaces asparagine 882 with serine.
Molecular consequence: missense variant.
Genome position (GRCh38, 1-based): chr12:65,246,234, A>G. VCF-style: chr12-65246234-A-G. GRCh37 (hg19) VCF-style: chr12-65640014-A-G.
Other names: c.2642A>G, p.Asn881Ser (NM_001167614.2); short protein forms N881S, N882S.
Identifiers: ClinVar variation 1022479 (VCV001022479.9), dbSNP rs201986205, ClinGen allele CA6671276.